The following is an entry in ClinVar:

ClinVar aggregate classification (germline): Uncertain significance (1 of 4 stars; one submission).

Conditions:
Rhabdoid tumor predisposition syndrome 2 (RTPS2). Identifiers: Orphanet 231108, Orphanet 69077, MedGen C2750074, MONDO:0013224, OMIM 613325.

Submission:

Labcorp Genetics (formerly Invitae), Labcorp
Classification: Uncertain significance for Rhabdoid tumor predisposition syndrome 2. Last evaluated: 2024-07-30. Review status: criteria provided, single submitter. Criteria: Invitae Variant Classification Sherloc (09022015). Collection method: clinical testing. Allele origin: germline.
Comment: This sequence change falls in intron 11 of the SMARCA4 gene. It does not directly change the encoded amino acid sequence of the SMARCA4 protein. It affects a nucleotide within the consensus splice site. This variant is not present in population databases (gnomAD no frequency). This variant has not been reported in the literature in individuals affected with SMARCA4-related conditions. ClinVar contains an entry for this variant (Variation ID: 941816). Variants that disrupt the consensus splice site are a relatively common cause of aberrant splicing (PMID: 17576681, 9536098). Algorithms developed to predict the effect of sequence changes on RNA splicing suggest that this variant may disrupt the consensus splice site. In summary, the available evidence is currently insufficient to determine the role of this variant in disease. Therefore, it has been classified as a Variant of Uncertain Significance.

Literature cited by the submitters: PubMed 17576681; PubMed 9536098.

NM_003072.5(SMARCA4):c.1812+2dup

Gene: SMARCA4 (SWI/SNF related BAF chromatin remodeling complex subunit ATPase 4; plus strand). Cytogenetic location: 19p13.2.
Variant type: Duplication.
Coding change: c.1812+2dup on transcript NM_003072.5 (MANE Select); the canonical splice donor site of the intron after coding-DNA position 1812, one base duplicated (T; older notation c.1812+2dupT).
Molecular consequence: splice donor variant.
Genome position (GRCh38, 1-based): chr19:10,996,546, T duplicated. VCF-style (leftmost placement, unchanged base first): chr19-10996545-G-GT. GRCh37 (hg19) VCF-style: chr19-11107221-G-GT.
Other names: c.1812+2dup (NM_001128844.3, NM_001128849.3, NM_001128847.4 and 4 more transcripts).
Identifiers: ClinVar variation 941816 (VCV000941816.7), dbSNP rs2087069139, ClinGen allele CA1139666243.